The following is an entry in ClinVar:

ClinVar aggregate classification (germline): Uncertain significance (1 of 4 stars; one submission).

Allele frequency attached by ClinVar (database versions not stated): gnomAD exomes below 0.00001 and 0.00001; ExAC 0.00001.
gnomAD v4.1: 4 of 1,613,218 alleles (0.00025%); highest among the groups gnomAD compares: South Asian, 0.0044%; no homozygotes.

Submission:

Labcorp Genetics (formerly Invitae), Labcorp
Classification: Uncertain significance. Last evaluated: 2024-02-17. Review status: criteria provided, single submitter. Criteria: Invitae Variant Classification Sherloc (09022015). Collection method: clinical testing. Allele origin: germline.
Comment: This sequence change replaces asparagine, which is neutral and polar, with histidine, which is basic and polar, at codon 198 of the TTPA protein (p.Asn198His). This variant is present in population databases (rs746600896, gnomAD 0.007%). This variant has not been reported in the literature in individuals affected with TTPA-related conditions. ClinVar contains an entry for this variant (Variation ID: 1514519). Advanced modeling of protein sequence and biophysical properties (such as structural, functional, and spatial information, amino acid conservation, physicochemical variation, residue mobility, and thermodynamic stability) performed at Invitae indicates that this missense variant is not expected to disrupt TTPA protein function with a negative predictive value of 80%. In summary, the available evidence is currently insufficient to determine the role of this variant in disease. Therefore, it has been classified as a Variant of Uncertain Significance.

NM_000370.3(TTPA):c.592A>C (p.Asn198His)

Gene: TTPA (alpha tocopherol transfer protein; minus strand). Cytogenetic location: 8q12.3.
Variant type: single nucleotide variant.
Coding change: c.592A>C on transcript NM_000370.3 (MANE Select); coding-DNA position 592, A replaced by C.
Protein change: p.Asn198His; replaces asparagine 198 with histidine.
Molecular consequence: missense variant.
Genome position (GRCh38, 1-based): chr8:63,064,277, T>G on the plus strand (A>C on the coding strand, the complement: TTPA is on the minus strand). VCF-style: chr8-63064277-T-G. GRCh37 (hg19) VCF-style: chr8-63976836-T-G.
Other names: short protein forms N198H.
Identifiers: ClinVar variation 1514519 (VCV001514519.8), dbSNP rs746600896, ClinGen allele CA4763192.